The following is an entry in ClinVar:

ClinVar aggregate classification (germline): Likely benign (1 of 4 stars; one submission).

Submission:

CeGaT Center for Human Genetics Tuebingen
Classification: Likely benign. Last evaluated: 2024-03-01. Review status: criteria provided, single submitter. Criteria: CeGaT Center For Human Genetics Tuebingen Variant Classification Criteria Version 2. Collection method: clinical testing. Allele origin: germline. Affected: yes. Observed: 1 variant allele.
Comment: CIC: PM2:Supporting, BP4, BP7

NM_001386298.1(CIC):c.1620T>G (p.Pro540=)

Gene: CIC (capicua transcriptional repressor; plus strand). Cytogenetic location: 19q13.2.
Variant type: single nucleotide variant.
Coding change: c.1620T>G on transcript NM_001386298.1 (MANE Select); coding-DNA position 1620, T replaced by G.
Protein change: p.Pro540=; no amino-acid change (proline 540 retained).
Molecular consequence: synonymous variant.
Genome position (GRCh38, 1-based): chr19:42,273,403, T>G. VCF-style: chr19-42273403-T-G. GRCh37 (hg19) VCF-style: chr19-42777555-T-G.
Other names: c.1620T>G, p.Pro540= (NM_001304815.2, NM_001379480.1, NM_001379482.1 and 1 more transcripts).
Identifiers: ClinVar variation 3067340 (VCV003067340.21), dbSNP rs2513605489, ClinGen allele CA507702101.